The following is an entry in ClinVar:

NM_000168.6(GLI3):c.13T>C (p.Ser5Pro)

Gene: GLI3 (GLI family zinc finger 3; minus strand). Cytogenetic location: 7p14.1.
Variant type: single nucleotide variant.
Coding change: c.13T>C on transcript NM_000168.6 (MANE Select); coding-DNA position 13, T replaced by C.
Protein change: p.Ser5Pro; replaces serine 5 with proline.
Molecular consequence: missense variant.
Genome position (GRCh38, 1-based): chr7:42,223,241, A>G on the plus strand (T>C on the coding strand, the complement: GLI3 is on the minus strand). VCF-style: chr7-42223241-A-G. GRCh37 (hg19) VCF-style: chr7-42262840-A-G.
Other names: short protein forms S5P.
Identifiers: ClinVar variation 1988186 (VCV001988186.4), dbSNP rs776566842, ClinGen allele CA367551319.

ClinVar aggregate classification (germline): Uncertain significance (1 of 4 stars; one submission).

Conditions:
Greig cephalopolysyndactyly syndrome (GCPS). Also called: POLYSYNDACTYLY WITH PECULIAR SKULL SHAPE; Greig syndrome; GLI3-Related Greig Cephalopolysyndactyly Syndrome. Identifiers: Orphanet 380, MedGen C0265306, MONDO:0008287, OMIM 175700.
Pallister-Hall syndrome (PHS). Also called: HYPOTHALAMIC HAMARTOBLASTOMA, HYPOPITUITARISM, IMPERFORATE ANUS, AND POSTAXIAL POLYDACTYLY; GLI3-Related Pallister-Hall Syndrome. Identifiers: Orphanet 672, MedGen C0265220, MONDO:0007804, OMIM 146510.

gnomAD v4.1: 1 of 1,613,526 alleles (0.000062%); highest among the groups gnomAD compares: Non-Finnish European, 0.000085%; no homozygotes.

Submission:

Labcorp Genetics (formerly Invitae), Labcorp
Classification: Uncertain significance for Pallister-Hall syndrome; Greig cephalopolysyndactyly syndrome. Last evaluated: 2022-02-22. Review status: criteria provided, single submitter. Criteria: Invitae Variant Classification Sherloc (09022015). Collection method: clinical testing. Allele origin: germline.
Comment: In summary, the available evidence is currently insufficient to determine the role of this variant in disease. Therefore, it has been classified as a Variant of Uncertain Significance. Algorithms developed to predict the effect of missense changes on protein structure and function are either unavailable or do not agree on the potential impact of this missense change (SIFT: "Deleterious"; PolyPhen-2: "Benign"; Align-GVGD: "Class C0"). This variant has not been reported in the literature in individuals affected with GLI3-related conditions. This variant is not present in population databases (gnomAD no frequency). This sequence change replaces serine, which is neutral and polar, with proline, which is neutral and non-polar, at codon 5 of the GLI3 protein (p.Ser5Pro).